The following is an entry in ClinVar:

ClinVar aggregate classification (germline): Conflicting classifications of pathogenicity. Review status: criteria provided, conflicting classifications (1 of 4 stars). 15 submissions from 14 submitters: Uncertain significance (1); Benign (8); Likely benign (4). 2 of the submissions do not count toward it. Last evaluated 2026-02-03.

Conditions:
Familial hypobetalipoproteinemia 1. Also called: Hypobetalipoproteinemia, normotriglyceridemic; Acanthocytosis with hypobetalipoproteinemia; APOB-Related Familial Hypobetalipoproteinemia. Identifiers: MedGen C4551990, MONDO:0014252, OMIM 615558.
Hypercholesterolemia, autosomal dominant, type B (FHCL2). Also called: Familial Hypercholesterolemia Type B; APOB-Related Familial Hypercholesterolemia, Autosomal Dominant; Hyperlipoproteinemia Type IIb; Familial hypercholesterolemia 2; APOLIPOPROTEIN B-100, FAMILIAL DEFECTIVE; APOLIPOPROTEIN B-100, FAMILIAL LIGAND-DEFECTIVE. Identifiers: MedGen C1704417, MONDO:0007751, OMIM 144010.
Familial hypercholesterolemia. Also called: Familial hypercholesterolemias; Familial hypercholesterolaemia. Identifiers: MedGen C0020445, MONDO:0005439.
Hypercholesterolemia, familial, 1. Also called: LDL RECEPTOR DISORDER; Hyperlipoproteinemia Type IIa; HYPER-LOW-DENSITY-LIPOPROTEINEMIA; HYPERCHOLESTEROLEMIC XANTHOMATOSIS, FAMILIAL; Fredrickson type IIa hyperlipoproteinemia; Hyperlipoproteinemia type 2. Identifiers: Orphanet 391665, MedGen C0745103, MONDO:0007750, OMIM 143890.
Warfarin response. Also called: Warfarin sensitivity; COUMARIN SENSITIVITY; COUMARIN, POOR METABOLISM OF; WARFARIN RESISTANCE; Coumarin resistance; Coumadin response. Identifiers: MedGen C0750384, MONDO:0007390, OMIM 122700.
Cardiovascular phenotype. Identifiers: MedGen CN230736.

Allele frequency attached by ClinVar (database versions not stated): ESP Exome Variant Server 0.00023; gnomAD 0.00578; TOPMed 0.00632; ExAC 0.01138; 1000 Genomes Project 30x 0.02436; 1000 Genomes Project 0.02736.

Submissions (15):

Labcorp Genetics (formerly Invitae), Labcorp
Classification: Benign for Familial hypobetalipoproteinemia 1; Hypercholesterolemia, autosomal dominant, type B. Last evaluated: 2026-02-03. Review status: criteria provided, single submitter. Criteria: Invitae Variant Classification Sherloc (09022015). Collection method: clinical testing. Allele origin: germline.

Molecular Diagnostic Laboratory for Inherited Cardiovascular Disease, Montreal Heart Institute
Classification: Likely benign. Last evaluated: 2025-04-09. Review status: criteria provided, single submitter. Criteria: ACMG Guidelines, 2015. Collection method: clinical testing. Allele origin: germline. Affected: no.

GENinCode PLC
Classification: Benign for Familial hypercholesterolemia. Last evaluated: 2024-06-19. Review status: criteria provided, single submitter. Criteria: ACMG Guidelines, 2015. Collection method: clinical testing. Allele origin: germline.

Quest Diagnostics Nichols Institute San Juan Capistrano
Classification: Benign. Last evaluated: 2023-03-29. Review status: criteria provided, single submitter. Criteria: Quest Diagnostics criteria. Collection method: clinical testing. Allele origin: unknown.

Mayo Clinic Laboratories, Mayo Clinic
Classification: Benign. Last evaluated: 2020-12-15. Review status: criteria provided, single submitter. Criteria: ACMG Guidelines, 2015. Collection method: clinical testing. Allele origin: germline. Observed: 15 variant alleles.

GeneDx
Classification: Benign. Last evaluated: 2018-07-12. Review status: criteria provided, single submitter. Criteria: GeneDx Variant Classification Process June 2021. Collection method: clinical testing. Allele origin: germline. Affected: yes.
Comment: This variant is associated with the following publications: (PMID: 29353225, 23593297, 26690388, 26612772, 29036232, 27516387, 29083407, 30526649, 30420299)

Illumina Laboratory Services, Illumina
Classification: Likely benign for Familial hypobetalipoproteinemia 1. Last evaluated: 2018-01-12. Review status: criteria provided, single submitter. Criteria: ICSL Variant Classification Criteria 13 December 2019. Collection method: clinical testing. Allele origin: germline.
Comment: This variant was observed in the ICSL laboratory as part of a predisposition screen in an ostensibly healthy population. It had not been previously curated by ICSL or reported in the Human Gene Mutation Database (HGMD: prior to June 1st, 2018), and was therefore a candidate for classification through an automated scoring system. Utilizing variant allele frequency, disease prevalence and penetrance estimates, and inheritance mode, an automated score was calculated to assess if this variant is too frequent to cause the disease. Based on the score and internal cut-off values, a variant classified as likely benign is not then subjected to further curation. The score for this variant resulted in a classification of likely benign for this disease.

Illumina Laboratory Services, Illumina
Classification: Benign for Hypercholesterolemia, autosomal dominant, type B. Last evaluated: 2018-01-12. Review status: criteria provided, single submitter. Criteria: ICSL Variant Classification Criteria 13 December 2019. Collection method: clinical testing. Allele origin: germline.
Comment: This variant was observed in the ICSL laboratory as part of a predisposition screen in an ostensibly healthy population. It had not been previously curated by ICSL or reported in the Human Gene Mutation Database (HGMD: prior to June 1st, 2018), and was therefore a candidate for classification through an automated scoring system. Utilizing variant allele frequency, disease prevalence and penetrance estimates, and inheritance mode, an automated score was calculated to assess if this variant is too frequent to cause the disease. Based on the score and internal cut-off values, a variant classified as benign is not then subjected to further curation. The score for this variant resulted in a classification of benign for this disease.

Robarts Research Institute, Western University
Classification: Likely benign for Hypercholesterolemia, familial, 1. Last evaluated: 2018-01-02. Review status: criteria provided, single submitter. Criteria: ACMG Guidelines, 2015. Collection method: clinical testing. Allele origin: germline. Inheritance: Autosomal dominant inheritance. Affected: yes.

Color Diagnostics, LLC DBA Color Health
Classification: Benign for Familial hypercholesterolemia. Last evaluated: 2017-06-26. Review status: criteria provided, single submitter. Criteria: ACMG Guidelines, 2015. Collection method: clinical testing. Allele origin: germline.

Ambry Genetics
Classification: Benign for Cardiovascular phenotype. Last evaluated: 2016-10-04. Review status: criteria provided, single submitter. Criteria: Ambry Variant Classification Scheme 2023. Collection method: clinical testing. Allele origin: germline.

Laboratory of Genetics and Molecular Cardiology, University of São Paulo
Classification: Uncertain significance for Familial hypercholesterolemia. Last evaluated: 2016-03-01. Review status: criteria provided, single submitter. Criteria: ACMG Guidelines, 2015. Collection method: research. Allele origin: germline. Study: HipercolBrasil.

PreventionGenetics, part of Exact Sciences
Classification: Likely benign. Review status: criteria provided, single submitter. Criteria: ACMG Guidelines, 2015. Collection method: clinical testing. Allele origin: germline.

Pharmacogenomics Lab, Chungbuk National University
Classification: drug response for Warfarin response. Last evaluated: 2010-08-31. Review status: no assertion criteria provided. Collection method: research. Allele origin: unknown. Affected: no. Observed: 139 variant alleles. Not counted in ClinVar's aggregate classification.

Laboratorium voor Moleculaire Diagnostiek Experimentele Vasculaire Geneeskunde, Academisch Medisch Centrum
Classification: Benign. Review status: no assertion criteria provided. Collection method: research. Allele origin: germline. Not counted in ClinVar's aggregate classification.

Literature cited by the submitters: PubMed 23593297 (cited by Quest Diagnostics Nichols Institute San Juan Capistrano); PubMed 26690388 (cited by Quest Diagnostics Nichols Institute San Juan Capistrano); PubMed 26612772 (cited by Quest Diagnostics Nichols Institute San Juan Capistrano); PubMed 27516387 (cited by Quest Diagnostics Nichols Institute San Juan Capistrano); PubMed 29083407 (cited by Quest Diagnostics Nichols Institute San Juan Capistrano); PubMed 29036232 (cited by Quest Diagnostics Nichols Institute San Juan Capistrano); PubMed 29353225 (cited by Quest Diagnostics Nichols Institute San Juan Capistrano); PubMed 30420299 (cited by Quest Diagnostics Nichols Institute San Juan Capistrano); PubMed 30526649 (cited by Quest Diagnostics Nichols Institute San Juan Capistrano).

NM_000384.3(APOB):c.1594C>T (p.Arg532Trp)

Gene: APOB (apolipoprotein B; minus strand). Cytogenetic location: 2p24.1.
Variant type: single nucleotide variant.
Coding change: c.1594C>T on transcript NM_000384.3 (MANE Select); coding-DNA position 1594, C replaced by T.
Protein change: p.Arg532Trp; replaces arginine 532 with tryptophan.
Molecular consequence: missense variant.
Genome position (GRCh38, 1-based): chr2:21,029,662, G>A on the plus strand (C>T on the coding strand, the complement: APOB is on the minus strand). VCF-style: chr2-21029662-G-A. GRCh37 (hg19) VCF-style: chr2-21252534-G-A.
Other names: p.Arg532Trp; short protein forms R532W.
Identifiers: ClinVar variation 255979 (VCV000255979.33), dbSNP rs13306194, ClinGen allele CA053978.